The following is an entry in ClinVar:

ClinVar aggregate classification (germline): Conflicting classifications of pathogenicity. Review status: criteria provided, conflicting classifications (1 of 4 stars). 6 submissions from 6 submitters: Uncertain significance (3); Benign (1); Likely benign (1). 1 of the submissions does not count toward it. Last evaluated 2026-01-26.

Conditions:
DNAH11-related disorder. Also called: DNAH11-related condition.
Primary ciliary dyskinesia. Also called: Ciliary dyskinesia. Identifiers: Orphanet 244, MedGen C0008780, MONDO:0016575, HP:0012265.
Primary ciliary dyskinesia 7. Also called: CILIARY DYSKINESIA, PRIMARY, 7, WITH OR WITHOUT SITUS INVERSUS. Identifiers: Orphanet 244, MedGen C2678473, MONDO:0012748, OMIM 611884.

Allele frequency attached by ClinVar (database versions not stated): gnomAD exomes 0.00049 and 0.00020; ExAC 0.00058; 1000 Genomes Project 30x 0.00094; 1000 Genomes Project 0.00100; gnomAD 0.00142 and 0.00149; ESP Exome Variant Server 0.00187; TOPMed 0.00192.
gnomAD v4.1: 515 of 1,613,386 alleles (0.032%); highest among the groups gnomAD compares: African/African-American, 0.49%; 3 homozygotes.

Submissions (6):

Labcorp Genetics (formerly Invitae), Labcorp
Classification: Likely benign for Primary ciliary dyskinesia. Last evaluated: 2026-01-26. Review status: criteria provided, single submitter. Criteria: Invitae Variant Classification Sherloc (09022015). Collection method: clinical testing. Allele origin: germline.

GeneDx
Classification: Uncertain significance. Last evaluated: 2025-12-02. Review status: criteria provided, single submitter. Criteria: GeneDx Variant Classification Process June 2021. Collection method: clinical testing. Allele origin: germline. Affected: yes.
Comment: In silico analysis supports that this missense variant has a deleterious effect on protein structure/function; Has not been previously published as pathogenic or benign to our knowledge

ARUP Laboratories, Molecular Genetics and Genomics, ARUP Laboratories
Classification: Uncertain significance for Primary ciliary dyskinesia 7. Last evaluated: 2024-06-10. Review status: criteria provided, single submitter. Criteria: ARUP Molecular Germline Variant Investigation Process 2024. Collection method: clinical testing. Allele origin: germline.
Comment: The DNAH11 c.3466G>A; p.Gly1156Arg variant (rs183521702), to our knowledge, is not reported in the medical literature but is reported in ClinVar (Variation ID: 194826). This variant is found in the African population with an allele frequency of 0.52% (126/24,196 alleles, including one homozygote) in the Genome Aggregation Database (v2.1.1). Computational analyses are uncertain whether this variant is neutral or deleterious (REVEL: 0.336). Due to limited information, the clinical significance of this variant is uncertain at this time.

Eurofins Ntd Llc (ga)
Classification: Uncertain significance. Last evaluated: 2015-06-02. Review status: criteria provided, single submitter. Criteria: EGL Classification Definitions 2015. Collection method: clinical testing. Allele origin: germline. Observed: 1 variant allele, 1 heterozygote.

Ambry Genetics
Classification: Benign for Primary ciliary dyskinesia. Last evaluated: 2014-12-15. Review status: criteria provided, single submitter. Criteria: Ambry Variant Classification Scheme 2023. Collection method: clinical testing. Allele origin: germline.

PreventionGenetics, part of Exact Sciences
Classification: Likely benign for DNAH11-related condition. Last evaluated: 2019-09-06. Review status: no assertion criteria provided. Collection method: clinical testing. Allele origin: germline. Not counted in ClinVar's aggregate classification.
Comment: This variant is classified as likely benign based on ACMG/AMP sequence variant interpretation guidelines (Richards et al. 2015 PMID: 25741868, with internal and published modifications).

NM_001277115.2(DNAH11):c.3466G>A (p.Gly1156Arg)

Gene: DNAH11 (dynein axonemal heavy chain 11; plus strand). Cytogenetic location: 7p15.3.
Variant type: single nucleotide variant.
Coding change: c.3466G>A on transcript NM_001277115.2 (MANE Select); coding-DNA position 3466, G replaced by A.
Protein change: p.Gly1156Arg; replaces glycine 1156 with arginine.
Molecular consequence: missense variant.
Genome position (GRCh38, 1-based): chr7:21,601,436, G>A. VCF-style: chr7-21601436-G-A. GRCh37 (hg19) VCF-style: chr7-21641054-G-A.
Other names: c.3466G>A (NM_003777.3); short protein forms G1156R.
Identifiers: ClinVar variation 194826 (VCV000194826.25), dbSNP rs183521702, ClinGen allele CA241015.